The following is an entry in ClinVar:

NM_005687.5(FARSB):c.1753G>A (p.Val585Ile)

Gene: FARSB (phenylalanyl-tRNA synthetase subunit beta; minus strand). Cytogenetic location: 2q36.1.
Variant type: single nucleotide variant.
Coding change: c.1753G>A on transcript NM_005687.5 (MANE Select); coding-DNA position 1753, G replaced by A.
Protein change: p.Val585Ile; replaces valine 585 with isoleucine.
Molecular consequence: missense variant. On other transcripts: non-coding transcript variant (1).
Genome position (GRCh38, 1-based): chr2:222,571,888, C>T on the plus strand (G>A on the coding strand, the complement: FARSB is on the minus strand). VCF-style: chr2-222571888-C-T. GRCh37 (hg19) VCF-style: chr2-223436607-C-T.
Other names: c.1753G>A (NM_005687.4); short protein forms V585I.
Identifiers: ClinVar variation 1164813 (VCV001164813.13), dbSNP rs7185, ClinGen allele CA2136269.
Genomic context (GRCh38, chr2:222,571,888, plus strand): 5'-AAAGGGACACCTGGGAAGAGAATCACACCACAGAGACCAATCTTCACAAAAAGGGTCCAA[C>T]ATTGATTTCTAGGGAGGAGCAGGGCATGGTCAGCTCAAATTTGGTGATAACGTCAGGATG-3'
Protein context (NP_005678.3, residues 575-589): TMPCSSLEIN[Val585Ile]GPFL

ClinVar aggregate classification (germline): Benign/Likely benign. Review status: criteria provided, multiple submitters, no conflicts (2 of 4 stars). 4 submissions from 4 submitters: Benign (2); Likely benign (1). 1 of the submissions does not count toward it. Last evaluated 2026-02-03.

Conditions:
FARSB-related disorder. Also called: FARSB-related condition.

Allele frequency attached by ClinVar (database versions not stated): ESP Exome Variant Server 0.80586; TOPMed 0.81808; gnomAD 0.82286 and 0.82886; 1000 Genomes Project 30x 0.82948; 1000 Genomes Project 0.83606; gnomAD exomes 0.87210 and 0.88523; ExAC 0.88193.
gnomAD v4.1: 1,399,140 of 1,612,028 alleles (87%); highest among the groups gnomAD compares: East Asian, 97%; 609,470 homozygotes.

Submissions (4):

Labcorp Genetics (formerly Invitae), Labcorp
Classification: Benign. Last evaluated: 2026-02-03. Review status: criteria provided, single submitter. Criteria: Invitae Variant Classification Sherloc (09022015). Collection method: clinical testing. Allele origin: germline.

Blueprint Genetics
Classification: Likely benign. Last evaluated: 2024-11-26. Review status: criteria provided, single submitter. Criteria: ACMG Guidelines, 2015. Collection method: clinical testing. Allele origin: germline.

Breakthrough Genomics
Classification: Benign. Review status: criteria provided, single submitter. Criteria: ACMG Guidelines, 2015. Collection method: not provided. Allele origin: germline. Inheritance: Autosomal recessive inheritance. Affected: yes.

PreventionGenetics, part of Exact Sciences
Classification: Benign for FARSB-related condition. Last evaluated: 2019-10-17. Review status: no assertion criteria provided. Collection method: clinical testing. Allele origin: germline. Not counted in ClinVar's aggregate classification.
Comment: This variant is classified as benign based on ACMG/AMP sequence variant interpretation guidelines (Richards et al. 2015 PMID: 25741868, with internal and published modifications).